The following is an entry in ClinVar:

ClinVar aggregate classification (germline): Likely benign. Review status: criteria provided, multiple submitters, no conflicts (2 of 4 stars). 3 submissions from 3 submitters: Likely benign (3). Last evaluated 2025-09-19.

Conditions:
Hereditary cancer-predisposing syndrome. Also called: Neoplastic Syndromes, Hereditary; Tumor predisposition; Hereditary Cancer Syndrome; Hereditary neoplastic syndrome. Identifiers: Orphanet 140162, MedGen C0027672, MeSH D009386, MONDO:0015356.

Allele frequency attached by ClinVar (database versions not stated): gnomAD exomes below 0.00001.
gnomAD v4.1: 1 of 1,614,156 alleles (0.000062%); highest among the groups gnomAD compares: Non-Finnish European, 0.000085%; no homozygotes.

Submissions (3):

Labcorp Genetics (formerly Invitae), Labcorp
Classification: Likely benign. Last evaluated: 2025-09-19. Review status: criteria provided, single submitter. Criteria: Invitae Variant Classification Sherloc (09022015). Collection method: clinical testing. Allele origin: germline.

Mayo Clinic Laboratories, Mayo Clinic
Classification: Likely benign. Last evaluated: 2025-02-24. Review status: criteria provided, single submitter. Criteria: ACMG Guidelines, 2015. Collection method: clinical testing. Allele origin: germline. Observed: 1 variant allele.
Comment: BP4, BP7

Ambry Genetics
Classification: Likely benign for Hereditary cancer-predisposing syndrome. Last evaluated: 2016-03-22. Review status: criteria provided, single submitter. Criteria: Ambry Variant Classification Scheme 2023. Collection method: clinical testing. Allele origin: germline.

NM_006231.4(POLE):c.4311C>T (p.Ala1437=)

Gene: POLE (DNA polymerase epsilon, catalytic subunit; minus strand). Cytogenetic location: 12q24.33.
Variant type: single nucleotide variant.
Coding change: c.4311C>T on transcript NM_006231.4 (MANE Select); coding-DNA position 4311, C replaced by T.
Protein change: p.Ala1437=; no amino-acid change (alanine 1437 retained).
Molecular consequence: synonymous variant.
Genome position (GRCh38, 1-based): chr12:132,643,540, G>A on the plus strand (C>T on the coding strand, the complement: POLE is on the minus strand). VCF-style: chr12-132643540-G-A. GRCh37 (hg19) VCF-style: chr12-133220126-G-A.
Other names: p.Ala1437=.
Identifiers: ClinVar variation 484511 (VCV000484511.16), dbSNP rs1555223017, ClinGen allele CA482849459.